The following is an entry in ClinVar:

NM_004530.6(MMP2):c.828T>G (p.His276Gln)

Gene: MMP2 (matrix metallopeptidase 2; plus strand). Cytogenetic location: 16q12.2.
Variant type: single nucleotide variant.
Coding change: c.828T>G on transcript NM_004530.6 (MANE Select); coding-DNA position 828, T replaced by G.
Protein change: p.His276Gln; replaces histidine 276 with glutamine.
Molecular consequence: missense variant.
Genome position (GRCh38, 1-based): chr16:55,485,773, T>G. VCF-style: chr16-55485773-T-G. GRCh37 (hg19) VCF-style: chr16-55519685-T-G.
Other names: c.678T>G, p.His226Gln (NM_001127891.3); c.600T>G, p.His200Gln (NM_001302508.1, NM_001302509.2, NM_001302510.2); c.828T>G (NM_004530.4); short protein forms H200Q, H276Q, H226Q.
Identifiers: ClinVar variation 1463669 (VCV001463669.9), dbSNP rs779262914, ClinGen allele CA8060199.

ClinVar aggregate classification (germline): Uncertain significance. Review status: criteria provided, multiple submitters, no conflicts (2 of 4 stars). 2 submissions from 2 submitters: Uncertain significance (2). Last evaluated 2025-08-03.

Conditions:
Inborn genetic diseases. Identifiers: MedGen C0950123, MeSH D030342.

Allele frequency attached by ClinVar (database versions not stated): ExAC 0.00001; gnomAD exomes 0.00001; TOPMed 0.00001.
gnomAD v4.1: 5 of 1,613,456 alleles (0.00031%); highest among the groups gnomAD compares: East Asian, 0.0067%; no homozygotes.

Submissions (2):

Ambry Genetics
Classification: Uncertain significance for Inborn genetic diseases. Last evaluated: 2025-08-03. Review status: criteria provided, single submitter. Criteria: Ambry Variant Classification Scheme 2023. Collection method: clinical testing. Allele origin: germline.

Labcorp Genetics (formerly Invitae), Labcorp
Classification: Uncertain significance. Last evaluated: 2022-07-19. Review status: criteria provided, single submitter. Criteria: Invitae Variant Classification Sherloc (09022015). Collection method: clinical testing. Allele origin: germline.
Comment: This variant has not been reported in the literature in individuals affected with MMP2-related conditions. In summary, the available evidence is currently insufficient to determine the role of this variant in disease. Therefore, it has been classified as a Variant of Uncertain Significance. Algorithms developed to predict the effect of sequence changes on RNA splicing suggest that this variant may create or strengthen a splice site. Algorithms developed to predict the effect of missense changes on protein structure and function are either unavailable or do not agree on the potential impact of this missense change (SIFT: "Tolerated"; PolyPhen-2: "Possibly Damaging"; Align-GVGD: "Class C0"). ClinVar contains an entry for this variant (Variation ID: 1463669). This variant is present in population databases (rs779262914, gnomAD 0.006%). This sequence change replaces histidine, which is basic and polar, with glutamine, which is neutral and polar, at codon 276 of the MMP2 protein (p.His276Gln).